The following is an entry in ClinVar:

ClinVar aggregate classification (germline): Uncertain significance (1 of 4 stars; one submission).

Conditions:
Hereditary spastic paraplegia 73. Also called: Spastic paraplegia 73, autosomal dominant. Identifiers: Orphanet 444099, MedGen C5568981, MONDO:0014568, OMIM 616282.

Allele frequency attached by ClinVar (database versions not stated): ESP Exome Variant Server 0.00008.
gnomAD v4.1: 3 of 1,613,722 alleles (0.00019%); highest among the groups gnomAD compares: Admixed American, 0.0017%; no homozygotes.

Submission:

Labcorp Genetics (formerly Invitae), Labcorp
Classification: Uncertain significance for Hereditary spastic paraplegia 73. Last evaluated: 2023-11-18. Review status: criteria provided, single submitter. Criteria: Invitae Variant Classification Sherloc (09022015). Collection method: clinical testing. Allele origin: germline.
Comment: This sequence change replaces valine, which is neutral and non-polar, with leucine, which is neutral and non-polar, at codon 602 of the CPT1C protein (p.Val602Leu). This variant is not present in population databases (gnomAD no frequency). This variant has not been reported in the literature in individuals affected with CPT1C-related conditions. Advanced modeling of protein sequence and biophysical properties (such as structural, functional, and spatial information, amino acid conservation, physicochemical variation, residue mobility, and thermodynamic stability) performed at Invitae indicates that this missense variant is not expected to disrupt CPT1C protein function with a negative predictive value of 80%. In summary, the available evidence is currently insufficient to determine the role of this variant in disease. Therefore, it has been classified as a Variant of Uncertain Significance.

NM_001199753.2(CPT1C):c.1837G>C (p.Val613Leu)

Gene: CPT1C (carnitine palmitoyltransferase 1C; plus strand). Cytogenetic location: 19q13.33.
Variant type: single nucleotide variant.
Coding change: c.1837G>C on transcript NM_001199753.2 (MANE Select); coding-DNA position 1837, G replaced by C.
Protein change: p.Val613Leu; replaces valine 613 with leucine.
Molecular consequence: missense variant. On other transcripts: non-coding transcript variant (1), intron variant (3).
Genome position (GRCh38, 1-based): chr19:49,710,828, G>C. VCF-style: chr19-49710828-G-C. GRCh37 (hg19) VCF-style: chr19-50214085-G-C.
Other names: c.1804G>C, p.Val602Leu (NM_001136052.3, NM_001378485.1); c.1837G>C, p.Val613Leu (NM_001199752.3, NM_001378483.1, NM_001378484.1 and 1 more transcripts); c.1903G>C, p.Val635Leu (NM_001378482.1); c.1731+344G>C (NM_001378486.1, NM_001378488.1); c.1698+344G>C (NM_001378487.1); short protein forms V613L, V635L, V602L.
Identifiers: ClinVar variation 2909151 (VCV002909151.3), dbSNP rs140642411, ClinGen allele CA309517823.